The following is an entry in ClinVar:

NM_198576.4(AGRN):c.894C>T (p.Leu298=)

Gene: AGRN (agrin; plus strand). Cytogenetic location: 1p36.33.
Variant type: single nucleotide variant.
Coding change: c.894C>T on transcript NM_198576.4 (MANE Select); coding-DNA position 894, C replaced by T.
Protein change: p.Leu298=; no amino-acid change (leucine 298 retained).
Molecular consequence: synonymous variant.
Genome position (GRCh38, 1-based): chr1:1,041,339, C>T. VCF-style: chr1-1041339-C-T. GRCh37 (hg19) VCF-style: chr1-976719-C-T.
Other names: c.894C>T, p.Leu298= (NM_001305275.2); c.579C>T, p.Leu193= (NM_001364727.2).
Identifiers: ClinVar variation 711832 (VCV000711832.12), dbSNP rs1251452652, ClinGen allele CA415363580.

ClinVar aggregate classification (germline): Likely benign. Review status: criteria provided, multiple submitters, no conflicts (2 of 4 stars). 2 submissions from 2 submitters: Likely benign (2). Last evaluated 2026-05-01.

Conditions:
Congenital myasthenic syndrome 8. Also called: MYASTHENIC SYNDROME, CONGENITAL, DUE TO AGRIN DEFICIENCY; Myasthenic syndrome, congenital, 8, with pre- and postsynaptic defects. Identifiers: Orphanet 590, MedGen C3808739, MONDO:0014052, OMIM 615120.

Allele frequency attached by ClinVar (database versions not stated): gnomAD 0.00001; gnomAD exomes 0.00001; TOPMed 0.00008.
gnomAD v4.1: 11 of 1,529,804 alleles (0.00072%); highest among the groups gnomAD compares: Admixed American, 0.018%; no homozygotes.

Submissions (2):

CeGaT Center for Human Genetics Tuebingen
Classification: Likely benign. Last evaluated: 2026-05-01. Review status: criteria provided, single submitter. Criteria: CeGaT Center For Human Genetics Tuebingen Variant Classification Criteria Version 2. Collection method: clinical testing. Allele origin: germline. Affected: yes. Observed: 1 variant allele.
Comment: AGRN: BP4, BP7

Labcorp Genetics (formerly Invitae), Labcorp
Classification: Likely benign for Congenital myasthenic syndrome 8. Last evaluated: 2025-07-06. Review status: criteria provided, single submitter. Criteria: Invitae Variant Classification Sherloc (09022015). Collection method: clinical testing. Allele origin: germline.